The following is an entry in ClinVar:

ClinVar aggregate classification (germline): Uncertain significance. Review status: criteria provided, multiple submitters, no conflicts (2 of 4 stars). 2 submissions from 2 submitters: Uncertain significance (2). Last evaluated 2026-01-18.

Conditions:
Hereditary cancer-predisposing syndrome. Also called: Tumor predisposition; Hereditary neoplastic syndrome; Hereditary Cancer Syndrome; Neoplastic Syndromes, Hereditary. Identifiers: Orphanet 140162, MedGen C0027672, MeSH D009386, MONDO:0015356.
Familial adenomatous polyposis 1 (FAP1). Also called: FAMILIAL ADENOMATOUS POLYPOSIS 1, ATTENUATED; POLYPOSIS, ADENOMATOUS INTESTINAL. Identifiers: MedGen C2713442, MONDO:0021056, OMIM 175100. Disease mechanism: loss of function.

Submissions (2):

Ambry Genetics
Classification: Uncertain significance for Hereditary cancer-predisposing syndrome. Last evaluated: 2026-01-18. Review status: criteria provided, single submitter. Criteria: Ambry Variant Classification Scheme 2023. Collection method: clinical testing. Allele origin: germline.
Comment: The p.P1733L variant (also known as c.5198C>T), located in coding exon 15 of the APC gene, results from a C to T substitution at nucleotide position 5198. The proline at codon 1733 is replaced by leucine, an amino acid with similar properties. This amino acid position is conserved. In addition, in silico predictors for this gene do not accurately predict pathogenicity. Based on the available evidence, the clinical significance of this variant remains unclear.

Labcorp Genetics (formerly Invitae), Labcorp
Classification: Uncertain significance for Familial adenomatous polyposis 1. Last evaluated: 2019-04-08. Review status: criteria provided, single submitter. Criteria: Invitae Variant Classification Sherloc (09022015). Collection method: clinical testing. Allele origin: germline.
Comment: This sequence change replaces proline with leucine at codon 1733 of the APC protein (p.Pro1733Leu). The proline residue is highly conserved and there is a moderate physicochemical difference between proline and leucine. This variant is not present in population databases (ExAC no frequency). This variant has not been reported in the literature in individuals with APC-related conditions. Algorithms developed to predict the effect of missense changes on protein structure and function (SIFT, PolyPhen-2, Align-GVGD) all suggest that this variant is likely to be disruptive, but these predictions have not been confirmed by published functional studies and their clinical significance is uncertain. In summary, the available evidence is currently insufficient to determine the role of this variant in disease. Therefore, it has been classified as a Variant of Uncertain Significance.

NM_000038.6(APC):c.5198C>T (p.Pro1733Leu)

Gene: APC (APC regulator of Wnt signaling pathway; plus strand). Cytogenetic location: 5q22.2.
Variant type: single nucleotide variant.
Coding change: c.5198C>T on transcript NM_000038.6 (MANE Select); coding-DNA position 5198, C replaced by T.
Protein change: p.Pro1733Leu; replaces proline 1733 with leucine.
Molecular consequence: missense variant.
Genome position (GRCh38, 1-based): chr5:112,840,792, C>T. VCF-style: chr5-112840792-C-T. GRCh37 (hg19) VCF-style: chr5-112176489-C-T.
Other names: c.5198C>T, p.Pro1733Leu (NM_001127510.3, NM_001354895.2); c.5144C>T, p.Pro1715Leu (NM_001127511.3); c.5252C>T, p.Pro1751Leu (NM_001354896.2); c.5228C>T, p.Pro1743Leu (NM_001354897.2); c.5123C>T, p.Pro1708Leu (NM_001354898.2); c.5114C>T, p.Pro1705Leu (NM_001354899.2); c.5075C>T, p.Pro1692Leu (NM_001354900.2); c.5021C>T, p.Pro1674Leu (NM_001354901.2); and 5 more; short protein forms P1450L, P1705L, P1708L, P1715L, P1733L, P1751L, P1642L, P1674L.
Identifiers: ClinVar variation 946110 (VCV000946110.12), dbSNP rs1765875592, ClinGen allele CA16032694.
Genomic context (GRCh38, chr5:112,840,792, plus strand): 5'-TGGATGACAATAAAGCAGAGGAAGGTGATATTCTTGCAGAATGCATTAATTCTGCTATGC[C>T]CAAAGGGAAAAGTCACAAGCCTTTCCGTGTGAAAAAGATAATGGACCAGGTCCAGCAAGC-3'
Protein context (NP_000029.2, residues 1723-1743): ILAECINSAM[Pro1733Leu]KGKSHKPFRV